The following is an entry in ClinVar:

ClinVar aggregate classification (germline): Uncertain significance. Review status: criteria provided, single submitter (1 of 4 stars). 2 submissions from 2 submitters: Uncertain significance (1). 1 of the submissions does not count toward it. Last evaluated 2023-10-29.

Conditions:
LRRK2-related disorder. Also called: LRRK2-related condition.
Autosomal dominant Parkinson disease 8. Also called: Parkinson disease 8, susceptibility to; LRRK2-Related Parkinson Disease; Parkinson disease 8. Identifiers: Orphanet 411602, MedGen C1846862, MONDO:0011764, OMIM 607060.

Allele frequency attached by ClinVar (database versions not stated): ExAC 0.00002; gnomAD 0.00004; gnomAD exomes 0.00004.
gnomAD v4.1: 63 of 1,611,480 alleles (0.0039%); highest among the groups gnomAD compares: Middle Eastern, 0.083%; no homozygotes.

Submissions (2):

Labcorp Genetics (formerly Invitae), Labcorp
Classification: Uncertain significance for Autosomal dominant Parkinson disease 8. Last evaluated: 2023-10-29. Review status: criteria provided, single submitter. Criteria: Invitae Variant Classification Sherloc (09022015). Collection method: clinical testing. Allele origin: germline.
Comment: This sequence change replaces threonine, which is neutral and polar, with serine, which is neutral and polar, at codon 149 of the LRRK2 protein (p.Thr149Ser). This variant is present in population databases (rs199567598, gnomAD 0.01%). This variant has not been reported in the literature in individuals affected with LRRK2-related conditions. ClinVar contains an entry for this variant (Variation ID: 1912498). Advanced modeling of protein sequence and biophysical properties (such as structural, functional, and spatial information, amino acid conservation, physicochemical variation, residue mobility, and thermodynamic stability) has been performed at Invitae for this missense variant, however the output from this modeling did not meet the statistical confidence thresholds required to predict the impact of this variant on LRRK2 protein function. In summary, the available evidence is currently insufficient to determine the role of this variant in disease. Therefore, it has been classified as a Variant of Uncertain Significance.

PreventionGenetics, part of Exact Sciences
Classification: Uncertain significance for LRRK2-related condition. Last evaluated: 2023-12-24. Review status: no assertion criteria provided. Collection method: clinical testing. Allele origin: germline. Not counted in ClinVar's aggregate classification.
Comment: The LRRK2 c.446C>G variant is predicted to result in the amino acid substitution p.Thr149Ser. To our knowledge, this variant has not been reported in the literature. This variant is reported in 0.0098% of alleles in individuals of South Asian descent in gnomAD. At this time, the clinical significance of this variant is uncertain due to the absence of conclusive functional and genetic evidence.

NM_198578.4(LRRK2):c.446C>G (p.Thr149Ser)

Gene: LRRK2 (leucine rich repeat kinase 2; plus strand). Cytogenetic location: 12q12.
Variant type: single nucleotide variant.
Coding change: c.446C>G on transcript NM_198578.4 (MANE Select); coding-DNA position 446, C replaced by G.
Protein change: p.Thr149Ser; replaces threonine 149 with serine.
Molecular consequence: missense variant.
Genome position (GRCh38, 1-based): chr12:40,237,978, C>G. VCF-style: chr12-40237978-C-G. GRCh37 (hg19) VCF-style: chr12-40631780-C-G.
Other names: c.446C>G (NM_198578.3); short protein forms T149S.
Identifiers: ClinVar variation 1912498 (VCV001912498.7), dbSNP rs199567598, ClinGen allele CA6513106.
Genomic context (GRCh38, chr12:40,237,978, plus strand): 5'-TAAATGTTAAAGCAGCTCTTTACTCAGAGCATATTATTCTCTTTAAAATAGGTAAAATCA[C>G]CTTGCTGATATTGGATGAAGAAAGTGATATTTTCATGTTAATTTTTGATGCCATGCACTC-3'
Protein context (NP_940980.4, residues 139-159): LDLLLTSGKI[Thr149Ser]LLILDEESDI